The following is an entry in ClinVar:

NM_015375.3(DSTYK):c.1053dup (p.Gln352fs)

Gene: DSTYK (dual serine/threonine and tyrosine protein kinase; minus strand). Cytogenetic location: 1q32.1.
Variant type: Duplication.
Coding change: c.1053dup on transcript NM_015375.3 (MANE Select); coding-DNA position 1053, one base duplicated (A; older notation c.1053dupA).
Protein change: p.Gln352fs; shifts the reading frame from glutamine 352.
Molecular consequence: frameshift variant.
Genome position (GRCh38, 1-based): chr1:205,169,434, T duplicated on the plus strand (A on the coding strand, the reverse complement: DSTYK is on the minus strand). VCF-style (leftmost placement, unchanged base first): chr1-205169433-G-GT. GRCh37 (hg19) VCF-style: chr1-205138561-G-GT.
Other names: c.1053dup, p.Gln352fs (NM_199462.3); short protein forms Q352fs.
Identifiers: ClinVar variation 1333318 (VCV001333318.1), dbSNP rs2102413524, ClinGen allele CA2573051469.

ClinVar aggregate classification (germline): Likely pathogenic (1 of 4 stars; one submission).

Conditions:
Congenital anomalies of kidney and urinary tract 1. Also called: Renal hypodysplasia, nonsyndromic, 1; Congenital anomalies of kidney and urinary tract 1, susceptibility to. Identifiers: MedGen C1835826, MONDO:0012561, OMIM 610805.

Submission:

3billion
Classification: Likely pathogenic for Congenital anomalies of kidney and urinary tract 1. Last evaluated: 2022-01-03. Review status: criteria provided, single submitter. Criteria: ACMG Guidelines, 2015. Collection method: clinical testing. Allele origin: germline. Affected: yes. Observed: 1 heterozygote.
Comment: Frameshift: predicted to result in a loss or disruption of normal protein function through nonsense-mediated decay (NMD) or protein truncation. Multiple pathogenic variants are reported downstream of the variant (PVS1_VS). It is not observed in the gnomAD v2.1.1 dataset (PM2_M). Therefore, this variant is classified as likely pathogenic according to the recommendation of ACMG/AMP guideline.